The following is an entry in ClinVar:

NM_001142966.3(GREB1L):c.1936T>C (p.Cys646Arg)

Gene: GREB1L (GREB1 like retinoic acid receptor coactivator; plus strand). Cytogenetic location: 18q11.1.
Variant type: single nucleotide variant.
Coding change: c.1936T>C on transcript NM_001142966.3 (MANE Select); coding-DNA position 1936, T replaced by C.
Protein change: p.Cys646Arg; replaces cysteine 646 with arginine.
Molecular consequence: missense variant.
Genome position (GRCh38, 1-based): chr18:21,452,169, T>C. VCF-style: chr18-21452169-T-C. GRCh37 (hg19) VCF-style: chr18-19032130-T-C.
Other names: short protein forms C646R.
Identifiers: ClinVar variation 917908 (VCV000917908.1), dbSNP rs2034559099, ClinGen allele CA401734782.

ClinVar aggregate classification (germline): Uncertain significance (1 of 4 stars; one submission).

Conditions:
Renal hypodysplasia/aplasia 3 (RHDA3). Identifiers: MedGen C4540497, MONDO:0024520, OMIM 617805.
Mayer-Rokitansky-Kuster-Hauser syndrome (CAUV). Also called: CONGENITAL ABSENCE OF UTERUS AND VAGINA; MULLERIAN APLASIA/DYSGENESIS; Mayer-Rokitansky-Küster-Hauser syndrome; Rokitansky sequence. Identifiers: Orphanet 247775, Orphanet 3109, MedGen C0431648, MONDO:0017771.

Allele frequency attached by ClinVar (database versions not stated): TOPMed below 0.00001; gnomAD 0.00001.
gnomAD v4.1: 1 of 1,551,756 alleles (0.000064%); no homozygotes.

Submission:

Human Genetic Laboratory, University of Liege
Classification: Uncertain significance for Renal hypodysplasia/aplasia 3; Mayer Rokitansky Kuster Hauser syndrome type 1. Last evaluated: 2020-02-20. Review status: criteria provided, single submitter. Criteria: ACMG Guidelines, 2015. Collection method: research. Allele origin: unknown. Inheritance: Autosomal unknown. Affected: yes. Observed: 1 heterozygote.
Comment: This is a novel missense variant in GREB1L, a gene previously associated with renal and uterine malformations in human. This missense variant is not reported in Gnomad. The variant affects a moderately conserved amino acid. There is conflicting predictions among in silico prediction tools. Sequencing was not performed in the parents.